The following is an entry in ClinVar:

NM_001374736.1(DST):c.11587A>T (p.Ile3863Leu)

Gene: DST (dystonin; minus strand). Cytogenetic location: 6p12.1.
Variant type: single nucleotide variant.
Coding change: c.11587A>T on transcript NM_001374736.1 (MANE Select); coding-DNA position 11587, A replaced by T.
Protein change: p.Ile3863Leu; replaces isoleucine 3863 with leucine.
Molecular consequence: missense variant.
Genome position (GRCh38, 1-based): chr6:56,600,176, T>A on the plus strand (A>T on the coding strand, the complement: DST is on the minus strand). VCF-style: chr6-56600176-T-A. GRCh37 (hg19) VCF-style: chr6-56464974-T-A.
Other names: c.5230A>T, p.Ile1744Leu (NM_001144769.5); c.4816A>T, p.Ile1606Leu (NM_001144770.2); c.11587A>T, p.Ile3863Leu (NM_001374722.1); c.10954A>T, p.Ile3652Leu (NM_001374729.1); c.4696A>T, p.Ile1566Leu (NM_001374730.1, NM_001386100.1, NM_183380.4); c.11614A>T, p.Ile3872Leu (NM_001374734.1); c.3718A>T, p.Ile1240Leu (NM_015548.5); short protein forms I1240L, I1566L, I1606L, I1744L, I3652L, I3863L, I3872L.
Identifiers: ClinVar variation 3756404 (VCV003756404.2).

ClinVar aggregate classification (germline): Uncertain significance (1 of 4 stars; one submission).

Conditions:
Hereditary sensory and autonomic neuropathy type 6. Also called: HSAN VI; Neuropathy, hereditary sensory and autonomic, type VI. Identifiers: Orphanet 314381, MedGen C3539003, MONDO:0013839, OMIM 614653.
Epidermolysis bullosa simplex 3, localized or generalized intermediate, with BP230 deficiency (EBS3). Also called: Epidermolysis bullosa simplex due to BP230 deficiency; Epidermolysis bullosa simplex, autosomal recessive 2. Identifiers: Orphanet 412181, MedGen C3809470, MONDO:0014180, OMIM 615425.

Submission:

Labcorp Genetics (formerly Invitae), Labcorp
Classification: Uncertain significance for Epidermolysis bullosa simplex 3, localized or generalized intermediate, with BP230 deficiency; Hereditary sensory and autonomic neuropathy type 6. Last evaluated: 2024-05-18. Review status: criteria provided, single submitter. Criteria: Invitae Variant Classification Sherloc (09022015). Collection method: clinical testing. Allele origin: germline.
Comment: The DST gene has multiple clinically relevant transcripts. This variant occurs in alternate transcript NM_015548.4, and corresponds to NM_001723.5:c.*15341A>T in the primary transcript. This sequence change replaces isoleucine, which is neutral and non-polar, with leucine, which is neutral and non-polar, at codon 1240 of the DST protein (p.Ile1240Leu). This variant is not present in population databases (gnomAD no frequency). This variant has not been reported in the literature in individuals affected with DST-related conditions. Experimental studies and prediction algorithms are not available or were not evaluated, and the functional significance of this variant is currently unknown. In summary, the available evidence is currently insufficient to determine the role of this variant in disease. Therefore, it has been classified as a Variant of Uncertain Significance.